The following is an entry in ClinVar:

NM_001844.5(COL2A1):c.2381del (p.Pro794fs)

Gene: COL2A1 (collagen type II alpha 1 chain; minus strand). Cytogenetic location: 12q13.11.
Variant type: Deletion.
Coding change: c.2381del on transcript NM_001844.5 (MANE Select); coding-DNA position 2381, one base deleted (C; older notation c.2381delC).
Protein change: p.Pro794fs; shifts the reading frame from proline 794.
Molecular consequence: frameshift variant.
Genome position (GRCh38, 1-based): chr12:47,981,804, G deleted on the plus strand (C on the coding strand, the reverse complement: COL2A1 is on the minus strand); the first of 6 consecutive G bases (chr12:47,981,804-47,981,809); deleting any one gives the same sequence. VCF-style (leftmost placement, unchanged base first): chr12-47981803-AG-A. GRCh37 (hg19) VCF-style: chr12-48375586-AG-A.
Other names: c.2174del, p.Pro725fs (NM_033150.3); c.2381del (NM_001844.4); short protein forms P794fs, P725fs.
Identifiers: ClinVar variation 547258 (VCV000547258.14), dbSNP rs1555166218, ClinGen allele CA604849905.

ClinVar aggregate classification (germline): Pathogenic. Review status: criteria provided, multiple submitters, no conflicts (2 of 4 stars). 6 submissions from 6 submitters: Pathogenic (6). Last evaluated 2026-05-22.

Conditions:
Stickler syndrome type 1 (STL1). Also called: COL2A1-Related Stickler Syndrome; ARTHROOPHTHALMOPATHY, HEREDITARY PROGRESSIVE; STICKLER SYNDROME, MEMBRANOUS VITREOUS TYPE; STICKLER SYNDROME, VITREOUS TYPE 1. Identifiers: Orphanet 828, Orphanet 90653, MedGen C2020284, MONDO:0007160, OMIM 108300.
Stickler syndrome. Identifiers: Orphanet 828, MedGen C0265253, MONDO:0019354.

Submissions (6):

Cambridge Genomics Laboratory, East Genomic Laboratory Hub, NHS Genomic Medicine Service
Classification: Pathogenic for Stickler syndrome. Last evaluated: 2026-05-22. Review status: criteria provided, single submitter. Criteria: ACGS Best Practice Guidelines for Variant Classification in Rare Disease 2020. Collection method: clinical testing. Allele origin: germline. Affected: yes.
Comment: PVS1,PS4_Moderate,PM2

Labcorp Genetics (formerly Invitae), Labcorp
Classification: Pathogenic. Last evaluated: 2025-10-28. Review status: criteria provided, single submitter. Criteria: Invitae Variant Classification Sherloc (09022015). Collection method: clinical testing. Allele origin: germline.
Comment: This sequence change creates a premature translational stop signal (p.Pro794Leufs*87) in the COL2A1 gene. It is expected to result in an absent or disrupted protein product. Loss-of-function variants in COL2A1 are known to be pathogenic (PMID: 20179744). This variant is not present in population databases (gnomAD no frequency). This premature translational stop signal has been observed in individual(s) with Stickler syndrome (PMID: 10486316). This variant is also known as deletion of nt 22,620 (C) in E34. ClinVar contains an entry for this variant (Variation ID: 547258). For these reasons, this variant has been classified as Pathogenic.

GeneDx
Classification: Pathogenic. Last evaluated: 2022-06-10. Review status: criteria provided, single submitter. Criteria: GeneDx Variant Classification Process June 2021. Collection method: clinical testing. Allele origin: germline. Affected: yes.
Comment: Frameshift variant predicted to result in protein truncation or nonsense mediated decay in a gene for which loss-of-function is a known mechanism of disease; Not observed at significant frequency in large population cohorts (gnomAD); Reported in ClinVar as a pathogenic variant but additional evidence is not available (ClinVar Variant ID# 547258; ClinVar); This variant is associated with the following publications: (PMID: 10486316, 33726816)

3billion
Classification: Pathogenic for Stickler syndrome type 1. Last evaluated: 2022-01-03. Review status: criteria provided, single submitter. Criteria: ACMG Guidelines, 2015. Collection method: clinical testing. Allele origin: germline. Affected: yes. Observed: 1 heterozygote.
Comment: Frameshift: predicted to result in a loss or disruption of normal protein function through nonsense-mediated decay (NMD) or protein truncation. Multiple pathogenic variants are reported downstream of the variant (PVS1_VS). It is not observed in the gnomAD v2.1.1 dataset (PM2_M). The variant has been reported at least twice as pathogenic/likely pathogenic with clinical assertions and evidence for the classification (ClinVar ID: VCV000547258, PMID:10486316). Therefore, this variant is classified as pathogenic according to the recommendation of ACMG/AMP guideline.

Clinical Genetics and Genomics, Karolinska University Hospital
Classification: Pathogenic. Last evaluated: 2017-09-06. Review status: criteria provided, single submitter. Criteria: ACMG Guidelines, 2015. Collection method: clinical testing. Allele origin: germline. Affected: yes. Observed: 1 variant allele.

Center for Human Genetics, Inc
Classification: Pathogenic for Stickler syndrome type 1. Last evaluated: 2016-11-01. Review status: criteria provided, single submitter. Criteria: ACMG Guidelines, 2015. Collection method: clinical testing. Allele origin: germline. Affected: yes.

Literature cited by the submitters: PubMed 20179744 (cited by Labcorp Genetics (formerly Invitae), Labcorp); PubMed 10486316 (cited by Labcorp Genetics (formerly Invitae), Labcorp); PMID:10486316) (cited by 3billion).